The following is an entry in ClinVar:

NM_005045.4(RELN):c.7182G>A (p.Ala2394=)

Gene: RELN (reelin; minus strand). Cytogenetic location: 7q22.1.
Variant type: single nucleotide variant.
Coding change: c.7182G>A on transcript NM_005045.4 (MANE Select); coding-DNA position 7182, G replaced by A.
Protein change: p.Ala2394=; no amino-acid change (alanine 2394 retained).
Molecular consequence: synonymous variant.
Genome position (GRCh38, 1-based): chr7:103,535,483, C>T on the plus strand (G>A on the coding strand, the complement: RELN is on the minus strand). VCF-style: chr7-103535483-C-T. GRCh37 (hg19) VCF-style: chr7-103175930-C-T.
Other names: c.7182G>A, p.Ala2394= (NM_173054.3).
Identifiers: ClinVar variation 1097359 (VCV001097359.16), dbSNP rs879182818, ClinGen allele CA163938730.

ClinVar aggregate classification (germline): Likely benign. Review status: criteria provided, multiple submitters, no conflicts (2 of 4 stars). 3 submissions from 3 submitters: Likely benign (3). Last evaluated 2025-11-01.

Conditions:
Norman-Roberts syndrome (LIS2). Also called: Lissencephaly 2 (Norman-Roberts type). Identifiers: Orphanet 89844, MedGen C0796089, MONDO:0009760, OMIM 257320.
Familial temporal lobe epilepsy 7. Identifiers: Orphanet 101046, MedGen C4225327, MONDO:0014639, OMIM 616436.
Epilepsy, familial temporal lobe, 1. Identifiers: Orphanet 101046, MedGen CN030884, MONDO:0700090, OMIM 600512.

Allele frequency attached by ClinVar (database versions not stated): gnomAD 0.00001; gnomAD exomes 0.00002; TOPMed 0.00002.
gnomAD v4.1: 24 of 1,613,550 alleles (0.0015%); highest among the groups gnomAD compares: Admixed American, 0.012%; no homozygotes.

Submissions (3):

CeGaT Center for Human Genetics Tuebingen
Classification: Likely benign. Last evaluated: 2025-11-01. Review status: criteria provided, single submitter. Criteria: CeGaT Center For Human Genetics Tuebingen Variant Classification Criteria Version 2. Collection method: clinical testing. Allele origin: germline. Affected: yes. Observed: 1 variant allele.
Comment: RELN: BP4, BP7

Labcorp Genetics (formerly Invitae), Labcorp
Classification: Likely benign for Familial temporal lobe epilepsy 7; Norman-Roberts syndrome. Last evaluated: 2024-08-13. Review status: criteria provided, single submitter. Criteria: Invitae Variant Classification Sherloc (09022015). Collection method: clinical testing. Allele origin: germline.

Fulgent Genetics
Classification: Likely benign for Norman-Roberts syndrome; Epilepsy, familial temporal lobe, 1; Familial temporal lobe epilepsy 7. Last evaluated: 2021-07-10. Review status: criteria provided, single submitter. Criteria: ACMG Guidelines, 2015. Collection method: clinical testing. Allele origin: unknown.